The following is an entry in ClinVar:

NM_001256545.2(MEGF10):c.174G>T (p.Thr58=)

Gene: MEGF10 (multiple EGF like domains 10; plus strand). Cytogenetic location: 5q23.2.
Variant type: single nucleotide variant.
Coding change: c.174G>T on transcript NM_001256545.2 (MANE Select); coding-DNA position 174, G replaced by T.
Protein change: p.Thr58=; no amino-acid change (threonine 58 retained).
Molecular consequence: synonymous variant.
Genome position (GRCh38, 1-based): chr5:127,339,177, G>T. VCF-style: chr5-127339177-G-T. GRCh37 (hg19) VCF-style: chr5-126674869-G-T.
Other names: c.174G>T, p.Thr58= (NM_001308119.2, NM_001308121.2, NM_032446.3).
Identifiers: ClinVar variation 790220 (VCV000790220.14), dbSNP rs12654455, ClinGen allele CA3391191.

ClinVar aggregate classification (germline): Likely benign. Review status: criteria provided, multiple submitters, no conflicts (2 of 4 stars). 3 submissions from 3 submitters: Likely benign (2). 1 of the submissions does not count toward it. Last evaluated 2026-01-26.

Conditions:
MEGF10-related disorder. Also called: MEGF10-related condition.
MEGF10-related myopathy (CMYO10A). Also called: Congenital myopathy 10A, severe variant. Identifiers: Orphanet 439212, MedGen C3280679, MONDO:0013731, OMIM 614399.

Allele frequency attached by ClinVar (database versions not stated): TOPMed 0.00026.
gnomAD v4.1: 56 of 1,612,320 alleles (0.0035%); highest among the groups gnomAD compares: African/African-American, 0.055%; no homozygotes.

Submissions (3):

Labcorp Genetics (formerly Invitae), Labcorp
Classification: Likely benign for MEGF10-related myopathy. Last evaluated: 2026-01-26. Review status: criteria provided, single submitter. Criteria: Invitae Variant Classification Sherloc (09022015). Collection method: clinical testing. Allele origin: germline.

GeneDx
Classification: Likely benign. Last evaluated: 2021-01-07. Review status: criteria provided, single submitter. Criteria: GeneDx Variant Classification Process June 2021. Collection method: clinical testing. Allele origin: germline. Affected: yes.

PreventionGenetics, part of Exact Sciences
Classification: Likely benign for MEGF10-related condition. Last evaluated: 2022-04-26. Review status: no assertion criteria provided. Collection method: clinical testing. Allele origin: germline. Not counted in ClinVar's aggregate classification.
Comment: This variant is classified as likely benign based on ACMG/AMP sequence variant interpretation guidelines (Richards et al. 2015 PMID: 25741868, with internal and published modifications).